The following is an entry in ClinVar:

ClinVar aggregate classification (germline): Uncertain significance. Review status: criteria provided, multiple submitters, no conflicts (2 of 4 stars). 7 submissions from 7 submitters: Uncertain significance (7). Last evaluated 2024-10-23.

Conditions:
Maturity-onset diabetes of the young type 3. Also called: MODY type 3; MODY, type III. Identifiers: Orphanet 552, MedGen C1838100, MeSH C563933, MONDO:0010894, OMIM 600496. Disease mechanism: loss of function.
Maturity-onset diabetes of the young type 1. Also called: MODY type 1; Diabetes mellitus MODY type 1; MODY HNF4A related; MILD JUVENILE DIABETES MELLITUS; MODY, type I; HNF4A-Related Maturity-Onset Diabetes of the Young Type 1. Identifiers: Orphanet 552, MedGen C1852093, MONDO:0007452, OMIM 125850. Disease mechanism: loss of function.
Type 1 diabetes mellitus 20 (T1D20). Also called: Diabetes mellitus, insulin-dependent, 20. Identifiers: MedGen C2675866, MONDO:0012919, OMIM 612520.
Hepatic adenomas, familial. Also called: LIVER CELL ADENOMAS, FAMILIAL; HEPATIC ADENOMA, SOMATIC. Identifiers: MedGen C1840646, MONDO:0007718, OMIM 142330.
Nonpapillary renal cell carcinoma. Identifiers: Orphanet 422526, MedGen CN074294, MONDO:0007763, OMIM 144700.
Type 2 diabetes mellitus. Also called: Type II diabetes mellitus. Identifiers: MedGen C0011860, MeSH D003924, MONDO:0005148, OMIM 125853, HP:0005978.
Diabetes mellitus type 1 (T1D). Also called: Diabetes Mellitus, Juvenile-Onset; Type I diabetes mellitus. Identifiers: MedGen C0011854, MONDO:0005147, OMIM 222100, HP:0100651.

Allele frequency attached by ClinVar (database versions not stated): gnomAD 0.00001; TOPMed 0.00001; gnomAD exomes 0.00004; ExAC 0.00005.
gnomAD v4.1: 47 of 1,613,724 alleles (0.0029%); highest among the groups gnomAD compares: Non-Finnish European, 0.0039%; no homozygotes.

Submissions (7):

Labcorp Genetics (formerly Invitae), Labcorp
Classification: Uncertain significance. Last evaluated: 2024-10-23. Review status: criteria provided, single submitter. Criteria: Invitae Variant Classification Sherloc (09022015). Collection method: clinical testing. Allele origin: germline.
Comment: This sequence change replaces threonine, which is neutral and polar, with serine, which is neutral and polar, at codon 525 of the HNF1A protein (p.Thr525Ser). This variant is present in population databases (rs759717253, gnomAD 0.009%). This missense change has been observed in individual(s) with MODY (PMID: 18003757, 33046911). ClinVar contains an entry for this variant (Variation ID: 667246). Invitae Evidence Modeling of protein sequence and biophysical properties (such as structural, functional, and spatial information, amino acid conservation, physicochemical variation, residue mobility, and thermodynamic stability) indicates that this missense variant is not expected to disrupt HNF1A protein function with a negative predictive value of 80%. In summary, the available evidence is currently insufficient to determine the role of this variant in disease. Therefore, it has been classified as a Variant of Uncertain Significance.

CeGaT Center for Human Genetics Tuebingen
Classification: Uncertain significance. Last evaluated: 2022-10-01. Review status: criteria provided, single submitter. Criteria: CeGaT Center For Human Genetics Tuebingen Variant Classification Criteria Version 2. Collection method: clinical testing. Allele origin: germline. Affected: yes. Observed: 1 variant allele.
Comment: HNF1A: PM5:Supporting

Fulgent Genetics
Classification: Uncertain significance for Type 2 diabetes mellitus; Hepatic adenomas, familial; Nonpapillary renal cell carcinoma; Diabetes mellitus type 1; Maturity-onset diabetes of the young type 3; Type 1 diabetes mellitus 20. Last evaluated: 2022-05-04. Review status: criteria provided, single submitter. Criteria: ACMG Guidelines, 2015. Collection method: clinical testing. Allele origin: unknown.

Blueprint Genetics
Classification: Uncertain significance. Last evaluated: 2022-03-10. Review status: criteria provided, single submitter. Criteria: ACMG Guidelines, 2015. Collection method: clinical testing. Allele origin: germline.

Institute of Experimental Endocrinology, Slovak Academy of Sciences
Classification: Uncertain significance for Maturity-onset diabetes of the young type 3. Last evaluated: 2021-04-16. Review status: criteria provided, single submitter. Criteria: ACMG Guidelines, 2015. Collection method: research. Allele origin: unknown. Inheritance: Autosomal dominant inheritance. Affected: yes. Observed: 1 heterozygote. Segregation with disease not observed.
Comment: In silico tools predict pathogenic effect on HNF1 alpha function (REVEL 0.83), on the other side, this variant was observed also in the gnomAD database with frequency 0.00003 (2 heterozygots from 34 000 subjects of European non-Finish origin). Based on this information, we classified the variant as of unknown significance (VUS).

Laboratory for Molecular Medicine, Mass General Brigham Personalized Medicine
Classification: Uncertain significance. Last evaluated: 2020-10-05. Review status: criteria provided, single submitter. Criteria: LMM Criteria. Collection method: clinical testing. Allele origin: germline. Observed: 1 variant allele.
Comment: The p.Thr525Ser variant in HNF1A has been reported in one individual with MODY (Bellanne-Chantelot 2008 PMID: 18003757; dbSNP rs759717253). It has also been identified in 0.009% (11/128938) of European chromosomes by the Genome Aggregation Database (gnomAD). This variant has also been reported in ClinVar (Variation ID 654702). Computational prediction tools and conservation analysis do not provide strong support for or against an impact to the protein. In summary, the clinical significance of the p.Thr525Ser variant is uncertain. ACMG/AMP criteria applied: none.

Broad Center for Mendelian Genomics, Broad Institute of MIT and Harvard
Classification: Uncertain significance for Maturity-onset diabetes of the young type 1. Last evaluated: 2020-01-22. Review status: criteria provided, single submitter. Criteria: ACMG Guidelines, 2015. Collection method: curation. Allele origin: germline. Inheritance: Autosomal dominant inheritance.
Comment: The p.Thr525Ser variant in HNF1A has been reported in 1 individual with MODY (PMID: 18003757), but has been identified in 0.0085% (11/128938) of European (non-Finnish) chromosomes by the Genome Aggregation Database (gnomAD; dbSNP rs759717253). Computational prediction tools and conservation analyses suggest that this variant may impact the protein, though this information is not predictive enough to determine pathogenicity. In summary, the clinical significance of the p.Thr525Ser variant is uncertain. ACMG/AMP Criteria applied: BS1, PP3 (Richards 2015).

Literature cited by the submitters: PubMed 18003757 (cited by Labcorp Genetics (formerly Invitae), Labcorp and Laboratory for Molecular Medicine, Mass General Brigham Personalized Medicine); PubMed 33046911 (cited by Labcorp Genetics (formerly Invitae), Labcorp); PubMed 23348805 (cited by Laboratory for Molecular Medicine, Mass General Brigham Personalized Medicine); PubMed 20393147 (cited by Laboratory for Molecular Medicine, Mass General Brigham Personalized Medicine).

NM_000545.8(HNF1A):c.1573A>T (p.Thr525Ser)

Gene: HNF1A (HNF1 homeobox A; plus strand). Cytogenetic location: 12q24.31.
Variant type: single nucleotide variant.
Coding change: c.1573A>T on transcript NM_000545.8 (MANE Select); coding-DNA position 1573, A replaced by T.
Protein change: p.Thr525Ser; replaces threonine 525 with serine.
Molecular consequence: missense variant.
Genome position (GRCh38, 1-based): chr12:120,999,339, A>T. VCF-style: chr12-120999339-A-T. GRCh37 (hg19) VCF-style: chr12-121437142-A-T.
Other names: c.1573A>T, p.Thr525Ser (NM_001306179.2); short protein forms T525S.
Identifiers: ClinVar variation 667246 (VCV000667246.38), dbSNP rs759717253, ClinGen allele CA6832112.
Genomic context (GRCh38, chr12:120,999,339, plus strand): 5'-CACAAGCCCGAGGTGGCCCAGTACACCCACACGGGCCTGCTCCCGCAGACTATGCTCATC[A>T]CCGACACCACCAACCTGAGCGCCCTGGCCAGCCTCACGCCCACCAAGCAGGTAAGGTCCA-3'
Protein context (NP_000536.6, residues 515-535): TGLLPQTMLI[Thr525Ser]DTTNLSALAS